The following is an entry in ClinVar:

NM_003482.4(KMT2D):c.2250_2330del (p.His751_Pro777del)

Gene: KMT2D (lysine methyltransferase 2D; minus strand). Cytogenetic location: 12q13.12.
Variant type: Deletion.
Coding change: c.2250_2330del on transcript NM_003482.4 (MANE Select); coding-DNA positions 2250 to 2330, 81 bases deleted.
Protein change: p.His751_Pro777del.
Molecular consequence: inframe indel (on NM_003482.3).
Genome position (GRCh38, 1-based): chr12:49,051,353-49,051,433, 81 bases deleted. GRCh37 (hg19): chr12:49,445,148-49,445,228.
Other names: c.2238_2318del81, p.His751_Pro777del (NM_003482.3).
Identifiers: ClinVar variation 3361918 (VCV003361918.1).

ClinVar aggregate classification (germline): Likely pathogenic (1 of 4 stars; one submission).

Submission:

GeneDx
Classification: Likely pathogenic. Last evaluated: 2024-03-14. Review status: criteria provided, single submitter. Criteria: GeneDx Variant Classification Process June 2021. Collection method: clinical testing. Allele origin: germline. Affected: yes.
Comment: Not observed at significant frequency in large population cohorts (gnomAD); In-frame deletion of 27 amino acids in a non-repeat region; In silico analysis supports a deleterious effect on protein structure/function; Has not been previously published as pathogenic or benign to our knowledge